The following is an entry in ClinVar:

ClinVar aggregate classification (germline): Uncertain significance. Review status: criteria provided, multiple submitters, no conflicts (2 of 4 stars). 2 submissions from 2 submitters: Uncertain significance (2). Last evaluated 2023-11-01.

Conditions:
Inborn genetic diseases. Identifiers: MedGen C0950123, MeSH D030342.
2-aminoadipic 2-oxoadipic aciduria (AAKAD). Also called: Aminoadipic aciduria; ALPHA-AMINOADIPIC AND ALPHA-KETOADIPIC ACIDURIA. Identifiers: Orphanet 79154, MedGen C1859817, MONDO:0008774, OMIM 204750.

Allele frequency attached by ClinVar (database versions not stated): TOPMed below 0.00001; gnomAD 0.00001; ExAC 0.00002.

Submissions (2):

Labcorp Genetics (formerly Invitae), Labcorp
Classification: Uncertain significance for 2-aminoadipic 2-oxoadipic aciduria. Last evaluated: 2023-11-01. Review status: criteria provided, single submitter. Criteria: Invitae Variant Classification Sherloc (09022015). Collection method: clinical testing. Allele origin: germline.
Comment: This sequence change replaces alanine, which is neutral and non-polar, with valine, which is neutral and non-polar, at codon 723 of the DHTKD1 protein (p.Ala723Val). This variant is present in population databases (rs746396418, gnomAD 0.008%). This variant has not been reported in the literature in individuals affected with DHTKD1-related conditions. ClinVar contains an entry for this variant (Variation ID: 2228317). Algorithms developed to predict the effect of missense changes on protein structure and function output the following: SIFT: "Not Available"; PolyPhen-2: "Benign"; Align-GVGD: "Not Available". The valine amino acid residue is found in multiple mammalian species, which suggests that this missense change does not adversely affect protein function. In summary, the available evidence is currently insufficient to determine the role of this variant in disease. Therefore, it has been classified as a Variant of Uncertain Significance.

Ambry Genetics
Classification: Uncertain significance for Inborn genetic diseases. Last evaluated: 2021-01-05. Review status: criteria provided, single submitter. Criteria: Ambry Variant Classification Scheme 2023. Collection method: clinical testing. Allele origin: germline.
Comment: The c.2168C>T (p.A723V) alteration is located in exon 13 (coding exon 13) of the DHTKD1 gene. This alteration results from a C to T substitution at nucleotide position 2168, causing the alanine (A) at amino acid position 723 to be replaced by a valine (V). The p.A723V alteration is predicted to be tolerated by in silico analysis. Based on insufficient or conflicting evidence, the clinical significance of this alteration remains unclear.

NM_018706.7(DHTKD1):c.2168C>T (p.Ala723Val)

Gene: DHTKD1 (dehydrogenase E1 and transketolase domain containing 1; plus strand). Cytogenetic location: 10p14.
Variant type: single nucleotide variant.
Coding change: c.2168C>T on transcript NM_018706.7 (MANE Select); coding-DNA position 2168, C replaced by T.
Protein change: p.Ala723Val; replaces alanine 723 with valine.
Molecular consequence: missense variant.
Genome position (GRCh38, 1-based): chr10:12,112,913, C>T. VCF-style: chr10-12112913-C-T. GRCh37 (hg19) VCF-style: chr10-12154912-C-T.
Other names: short protein forms A723V.
Identifiers: ClinVar variation 2228317 (VCV002228317.5), dbSNP rs746396418, ClinGen allele CA5408168.